The following is an entry in ClinVar:

ClinVar aggregate classification (germline): Conflicting classifications of pathogenicity. Review status: criteria provided, conflicting classifications (1 of 4 stars). 2 submissions from 2 submitters: Uncertain significance (1); Likely benign (1). Last evaluated 2024-02-25.

Conditions:
Hypokalemic periodic paralysis, type 1. Also called: Hypokalemic Periodic Paralysis Type 1 (AD); HypoPP. Identifiers: Orphanet 681, MedGen C3714580, MONDO:0042979, OMIM 170400.
Malignant hyperthermia, susceptibility to, 5 (MHS5). Also called: CACNA1S-Related Malignant Hyperthermia Susceptibility. Identifiers: Orphanet 423, MedGen C1866077, MONDO:0011163, OMIM 601887.

Allele frequency attached by ClinVar (database versions not stated): gnomAD exomes below 0.00001; TOPMed below 0.00001; ExAC 0.00001.

Submissions (2):

Labcorp Genetics (formerly Invitae), Labcorp
Classification: Likely benign for Hypokalemic periodic paralysis, type 1; Malignant hyperthermia, susceptibility to, 5. Last evaluated: 2024-02-25. Review status: criteria provided, single submitter. Criteria: Invitae Variant Classification Sherloc (09022015). Collection method: clinical testing. Allele origin: germline.

All of Us Research Program, National Institutes of Health
Classification: Uncertain significance for Malignant hyperthermia, susceptibility to, 5. Last evaluated: 2023-11-30. Review status: criteria provided, single submitter. Criteria: ACMG Guidelines, 2015. Collection method: clinical testing. Allele origin: germline. Inheritance: Autosomal dominant inheritance. Observed: 3 variant alleles, 3 heterozygotes.
Comment: This missense variant replaces methionine with threonine at codon 1537 of the CACNA1S protein. Computational prediction suggests that this variant may not impact protein structure and function (internally defined REVEL score threshold <= 0.5, PMID: 27666373). To our knowledge, functional studies have not been reported for this variant. This variant has not been reported in individuals affected with CACNA1S-related disorders in the literature. This variant has been identified in 2/251488 chromosomes in the general population by the Genome Aggregation Database (gnomAD). The available evidence is insufficient to determine the role of this variant in disease conclusively. Therefore, this variant is classified as a Variant of Uncertain Significance.

This study involves interpretation of variants in research participants for the purpose of population health screening. Participant phenotype was not available at the time of variant classification. Additional details can be found in publication PMID: 35346344, PMCID: PMC8962531

NM_000069.3(CACNA1S):c.4610T>C (p.Met1537Thr)

Gene: CACNA1S (calcium voltage-gated channel subunit alpha1 S; minus strand). Cytogenetic location: 1q32.1.
Variant type: single nucleotide variant.
Coding change: c.4610T>C on transcript NM_000069.3 (MANE Select); coding-DNA position 4610, T replaced by C.
Protein change: p.Met1537Thr; replaces methionine 1537 with threonine.
Molecular consequence: missense variant.
Genome position (GRCh38, 1-based): chr1:201,047,173, A>G on the plus strand (T>C on the coding strand, the complement: CACNA1S is on the minus strand). VCF-style: chr1-201047173-A-G. GRCh37 (hg19) VCF-style: chr1-201016301-A-G.
Other names: short protein forms M1537T.
Identifiers: ClinVar variation 1898395 (VCV001898395.6), dbSNP rs771685251, ClinGen allele CA083462.